The following is an entry in ClinVar:

NM_013266.4(CTNNA3):c.290A>C (p.Glu97Ala)

Gene: CTNNA3 (catenin alpha 3; minus strand). Cytogenetic location: 10q21.3.
Variant type: single nucleotide variant.
Coding change: c.290A>C on transcript NM_013266.4 (MANE Select); coding-DNA position 290, A replaced by C.
Protein change: p.Glu97Ala; replaces glutamic acid 97 with alanine.
Molecular consequence: missense variant.
Genome position (GRCh38, 1-based): chr10:67,606,859, T>G on the plus strand (A>C on the coding strand, the complement: CTNNA3 is on the minus strand). VCF-style: chr10-67606859-T-G. GRCh37 (hg19) VCF-style: chr10-69366617-T-G.
Other names: c.290A>C, p.Glu97Ala (NM_001127384.3); c.326A>C, p.Glu109Ala (NM_001291133.2); short protein forms E109A, E97A.
Identifiers: ClinVar variation 4657496 (VCV004657496.1).

ClinVar aggregate classification (germline): Uncertain significance (1 of 4 stars; one submission).

Submission:

Ambry Genetics
Classification: Uncertain significance. Last evaluated: 2025-12-01. Review status: criteria provided, single submitter. Criteria: Ambry Variant Classification Scheme 2023. Collection method: clinical testing. Allele origin: germline.
Comment: The p.E97A variant (also known as c.290A>C), located in coding exon 2 of the CTNNA3 gene, results from an A to C substitution at nucleotide position 290. The glutamic acid at codon 97 is replaced by alanine, an amino acid with dissimilar properties. This amino acid position is conserved. In addition, this alteration is predicted to be tolerated by in silico analysis. Based on the available evidence, the clinical significance of this variant remains unclear.